The following is an entry in ClinVar:

ClinVar aggregate classification (germline): Uncertain significance. Review status: criteria provided, multiple submitters, no conflicts (2 of 4 stars). 2 submissions from 2 submitters: Uncertain significance (2). Last evaluated 2024-12-16.

Conditions:
Spermatogenic failure 18. Identifiers: MedGen C4539783, MONDO:0054615, OMIM 617576.
Ciliary dyskinesia, primary, 37 (CILD37). Also called: CILIARY DYSKINESIA, PRIMARY, 37, WITH OR WITHOUT SITUS INVERSUS. Identifiers: MedGen C4539798, MONDO:0033204, OMIM 617577.

Allele frequency attached by ClinVar (database versions not stated): gnomAD exomes 0.00002 and 0.00004; ExAC 0.00003; 1000 Genomes Project 30x 0.00016; 1000 Genomes Project 0.00020; ESP Exome Variant Server 0.00024; TOPMed 0.00025; gnomAD 0.00026.
gnomAD v4.1: 67 of 1,612,012 alleles (0.0042%); highest among the groups gnomAD compares: African/African-American, 0.084%; no homozygotes.

Submissions (2):

Labcorp Genetics (formerly Invitae), Labcorp
Classification: Uncertain significance for Ciliary dyskinesia, primary, 37; Spermatogenic failure 18. Last evaluated: 2024-12-16. Review status: criteria provided, single submitter. Criteria: Invitae Variant Classification Sherloc (09022015). Collection method: clinical testing. Allele origin: germline.
Comment: This sequence change replaces methionine, which is neutral and non-polar, with threonine, which is neutral and polar, at codon 3812 of the DNAH1 protein (p.Met3812Thr). This variant is present in population databases (rs375533259, gnomAD 0.07%). This variant has not been reported in the literature in individuals affected with DNAH1-related conditions. ClinVar contains an entry for this variant (Variation ID: 854907). Invitae Evidence Modeling of protein sequence and biophysical properties (such as structural, functional, and spatial information, amino acid conservation, physicochemical variation, residue mobility, and thermodynamic stability) indicates that this missense variant is not expected to disrupt DNAH1 protein function with a negative predictive value of 80%. In summary, the available evidence is currently insufficient to determine the role of this variant in disease. Therefore, it has been classified as a Variant of Uncertain Significance.

Blueprint Genetics
Classification: Uncertain significance. Last evaluated: 2022-07-18. Review status: criteria provided, single submitter. Criteria: ACMG Guidelines, 2015. Collection method: clinical testing. Allele origin: germline.

NM_015512.5(DNAH1):c.11435T>C (p.Met3812Thr)

Gene: DNAH1 (dynein axonemal heavy chain 1; plus strand). Cytogenetic location: 3p21.1.
Variant type: single nucleotide variant.
Coding change: c.11435T>C on transcript NM_015512.5 (MANE Select); coding-DNA position 11435, T replaced by C.
Protein change: p.Met3812Thr; replaces methionine 3812 with threonine.
Molecular consequence: missense variant.
Genome position (GRCh38, 1-based): chr3:52,396,622, T>C. VCF-style: chr3-52396622-T-C. GRCh37 (hg19) VCF-style: chr3-52430638-T-C.
Other names: short protein forms M3812T.
Identifiers: ClinVar variation 854907 (VCV000854907.7), dbSNP rs375533259, ClinGen allele CA2436178.